The following is an entry in ClinVar:

NM_004539.4(NARS1):c.1524C>T (p.Tyr508=)

Gene: NARS1 (asparaginyl-tRNA synthetase 1; minus strand). Cytogenetic location: 18q21.31.
Variant type: single nucleotide variant.
Coding change: c.1524C>T on transcript NM_004539.4 (MANE Select); coding-DNA position 1524, C replaced by T.
Protein change: p.Tyr508=; no amino-acid change (tyrosine 508 retained).
Molecular consequence: synonymous variant.
Genome position (GRCh38, 1-based): chr18:57,601,775, G>A on the plus strand (C>T on the coding strand, the complement: NARS1 is on the minus strand). VCF-style: chr18-57601775-G-A. GRCh37 (hg19) VCF-style: chr18-55269007-G-A.
Identifiers: ClinVar variation 2648747 (VCV002648747.24), dbSNP rs111669307, ClinGen allele CA8973378.
Genomic context (GRCh38, chr18:57,601,775, plus strand): 5'-CAGAATCCACGTTAAGAATCGTTCCAAGCCCAAGCCATATCCTCCATGGGGACATGTACC[G>A]TATTTTCTCTGTTTAAAAAAAGAAAGAAAGAAAGAGGAGTAAATACTTAAGTTAAAACTT-3'
Protein context (NP_004530.1, residues 498-518): PYYWYTDQRK[Tyr508=]GTCPHGGYGL

ClinVar aggregate classification (germline): Likely benign (1 of 4 stars; one submission).

Allele frequency attached by ClinVar (database versions not stated): gnomAD exomes 0.00009; ExAC 0.00022; 1000 Genomes Project 30x 0.00031; 1000 Genomes Project 0.00040; gnomAD 0.00069; TOPMed 0.00084; ESP Exome Variant Server 0.00092.

Submission:

CeGaT Center for Human Genetics Tuebingen
Classification: Likely benign. Last evaluated: 2022-06-01. Review status: criteria provided, single submitter. Criteria: CeGaT Center For Human Genetics Tuebingen Variant Classification Criteria Version 2. Collection method: clinical testing. Allele origin: germline. Affected: yes. Observed: 1 variant allele.
Comment: NARS1: BP4, BP7